The following is an entry in ClinVar:

ClinVar aggregate classification (germline): Uncertain significance (1 of 4 stars; one submission).

Conditions:
Bardet-Biedl syndrome (BBS). Identifiers: Orphanet 110, MedGen C0752166, MONDO:0015229.

Submission:

Labcorp Genetics (formerly Invitae), Labcorp
Classification: Uncertain significance for Bardet-Biedl syndrome. Last evaluated: 2026-01-08. Review status: criteria provided, single submitter. Criteria: Invitae Variant Classification Sherloc (09022015). Collection method: clinical testing. Allele origin: germline.
Comment: This sequence change replaces glutamic acid, which is acidic and polar, with lysine, which is basic and polar, at codon 522 of the BBS2 protein (p.Glu522Lys). This variant is not present in population databases (gnomAD no frequency). This variant has not been reported in the literature in individuals affected with BBS2-related conditions. Invitae Evidence Modeling of protein sequence and biophysical properties (such as structural, functional, and spatial information, amino acid conservation, physicochemical variation, residue mobility, and thermodynamic stability) indicates that this missense variant is not expected to disrupt BBS2 protein function with a negative predictive value of 80%. Algorithms developed to predict the effect of sequence changes on RNA splicing suggest that this variant may disrupt the consensus splice site. In summary, the available evidence is currently insufficient to determine the role of this variant in disease. Therefore, it has been classified as a Variant of Uncertain Significance.

NM_031885.5(BBS2):c.1564G>A (p.Glu522Lys)

Gene: BBS2 (Bardet-Biedl syndrome 2; minus strand). Cytogenetic location: 16q13.
Variant type: single nucleotide variant.
Coding change: c.1564G>A on transcript NM_031885.5 (MANE Select); coding-DNA position 1564, G replaced by A.
Protein change: p.Glu522Lys; replaces glutamic acid 522 with lysine.
Molecular consequence: missense variant. On other transcripts: non-coding transcript variant (5).
Genome position (GRCh38, 1-based): chr16:56,498,532, C>T on the plus strand (G>A on the coding strand, the complement: BBS2 is on the minus strand). VCF-style: chr16-56498532-C-T. GRCh37 (hg19) VCF-style: chr16-56532444-C-T.
Other names: c.1564G>A, p.Glu522Lys (NM_001377456.1); short protein forms E522K.
Identifiers: ClinVar variation 4735740 (VCV004735740.1).